The following is an entry in ClinVar:

NM_000057.4(BLM):c.2402G>C (p.Ser801Thr)

Gene: BLM (BLM RecQ like helicase; plus strand). Cytogenetic location: 15q26.1.
Variant type: single nucleotide variant.
Coding change: c.2402G>C on transcript NM_000057.4 (MANE Select); coding-DNA position 2402, G replaced by C.
Protein change: p.Ser801Thr; replaces serine 801 with threonine.
Molecular consequence: missense variant.
Genome position (GRCh38, 1-based): chr15:90,769,227, G>C. VCF-style: chr15-90769227-G-C. GRCh37 (hg19) VCF-style: chr15-91312457-G-C.
Other names: c.2402G>C, p.Ser801Thr (NM_001287246.2, NM_001287247.2); c.1277G>C, p.Ser426Thr (NM_001287248.2); short protein forms S801T, S426T.
Identifiers: ClinVar variation 856349 (VCV000856349.7), dbSNP rs1348827963, ClinGen allele CA393845224.

ClinVar aggregate classification (germline): Uncertain significance (1 of 4 stars; one submission).

Conditions:
Bloom syndrome (BLM). Also called: Bloom-Torre-Machacek syndrome. Identifiers: Orphanet 125, MedGen C0005859, MONDO:0008876, OMIM 210900.

Allele frequency attached by ClinVar (database versions not stated): gnomAD exomes below 0.00001; TOPMed 0.00001.
gnomAD v4.1: 1 of 1,607,848 alleles (0.000062%); highest among the groups gnomAD compares: Non-Finnish European, 0.000085%; no homozygotes.

Submission:

Labcorp Genetics (formerly Invitae), Labcorp
Classification: Uncertain significance for Bloom syndrome. Last evaluated: 2021-08-31. Review status: criteria provided, single submitter. Criteria: Invitae Variant Classification Sherloc (09022015). Collection method: clinical testing. Allele origin: germline.
Comment: This sequence change replaces serine with threonine at codon 801 of the BLM protein (p.Ser801Thr). The serine residue is highly conserved and there is a small physicochemical difference between serine and threonine. This variant is not present in population databases (ExAC no frequency). This variant has not been reported in the literature in individuals affected with BLM-related conditions. Algorithms developed to predict the effect of missense changes on protein structure and function are either unavailable or do not agree on the potential impact of this missense change (SIFT: "Deleterious"; PolyPhen-2: "Probably Damaging"; Align-GVGD: "Class C0"). In summary, the available evidence is currently insufficient to determine the role of this variant in disease. Therefore, it has been classified as a Variant of Uncertain Significance.